The following is an entry in ClinVar:

ClinVar aggregate classification (germline): Benign. Review status: criteria provided, multiple submitters, no conflicts (2 of 4 stars). 3 submissions from 3 submitters: Benign (2). 1 of the submissions does not count toward it. Last evaluated 2019-12-31.

Conditions:
PTPRT-related disorder. Also called: PTPRT-related condition.

Allele frequency attached by ClinVar (database versions not stated): gnomAD exomes 0.00040 and 0.00109; ExAC 0.00116; 1000 Genomes Project 0.00319; 1000 Genomes Project 30x 0.00406; ESP Exome Variant Server 0.00438; gnomAD 0.00451 and 0.00489; TOPMed 0.00487.
gnomAD v4.1: 1,290 of 1,614,094 alleles (0.08%); highest among the groups gnomAD compares: African/African-American, 1.5%; 13 homozygotes.

Submissions (3):

Labcorp Genetics (formerly Invitae), Labcorp
Classification: Benign. Last evaluated: 2019-12-31. Review status: criteria provided, single submitter. Criteria: Invitae Variant Classification Sherloc (09022015). Collection method: clinical testing. Allele origin: germline.

Breakthrough Genomics
Classification: Benign. Review status: criteria provided, single submitter. Criteria: ACMG Guidelines, 2015. Collection method: not provided. Allele origin: germline. Inheritance: Unknown mechanism. Affected: yes.

PreventionGenetics, part of Exact Sciences
Classification: Benign for PTPRT-related condition. Last evaluated: 2020-01-02. Review status: no assertion criteria provided. Collection method: clinical testing. Allele origin: germline. Not counted in ClinVar's aggregate classification.
Comment: This variant is classified as benign based on ACMG/AMP sequence variant interpretation guidelines (Richards et al. 2015 PMID: 25741868, with internal and published modifications).

NM_007050.6(PTPRT):c.1186G>A (p.Val396Ile)

Gene: PTPRT (protein tyrosine phosphatase receptor type T; minus strand). Cytogenetic location: 20q12.
Variant type: single nucleotide variant.
Coding change: c.1186G>A on transcript NM_007050.6 (MANE Select); coding-DNA position 1186, G replaced by A.
Protein change: p.Val396Ile; replaces valine 396 with isoleucine.
Molecular consequence: missense variant.
Genome position (GRCh38, 1-based): chr20:42,472,530, C>T on the plus strand (G>A on the coding strand, the complement: PTPRT is on the minus strand). VCF-style: chr20-42472530-C-T. GRCh37 (hg19) VCF-style: chr20-41101170-C-T.
Other names: c.1186G>A, p.Val396Ile (NM_133170.4); short protein forms V396I.
Identifiers: ClinVar variation 708848 (VCV000708848.7), dbSNP rs41279256, ClinGen allele CA9864629.